The following is an entry in ClinVar:

NM_001127208.3(TET2):c.1982A>C (p.His661Pro)

Genes: TET2 (tet methylcytosine dioxygenase 2; plus strand), TET2-AS1 (TET2 antisense RNA 1; minus strand). Cytogenetic location: 4q24.
Variant type: single nucleotide variant.
Coding change: c.1982A>C on transcript NM_001127208.3 (MANE Select); coding-DNA position 1982, A replaced by C.
Protein change: p.His661Pro; replaces histidine 661 with proline.
Molecular consequence: missense variant.
Genome position (GRCh38, 1-based): chr4:105,235,924, A>C. VCF-style: chr4-105235924-A-C. GRCh37 (hg19) VCF-style: chr4-106157081-A-C.
Other names: c.1982A>C, p.His661Pro (NM_017628.4); short protein forms H661P.
Identifiers: ClinVar variation 3967669 (VCV003967669.1).
Genomic context (GRCh38, chr4:105,235,924, plus strand): 5'-GGCAGTCCCAAGGTACAGTGGACCAACATCTCCAGTTCCAAAAACCCTCACACCAGGTGC[A>C]CTTCTCCAAAACAGACCATTTACCAAAAGCTCATGTGCAGTCACTGTGTGGCACTAGATT-3'
Protein context (NP_001120680.1, residues 651-671): LQFQKPSHQV[His661Pro]FSKTDHLPKA

ClinVar aggregate classification (germline): Uncertain significance (1 of 4 stars; one submission).

gnomAD v4.1: 1 of 1,614,132 alleles (0.000062%); highest among the groups gnomAD compares: Non-Finnish European, 0.000085%; no homozygotes.

Submission:

Ambry Genetics
Classification: Uncertain significance. Last evaluated: 2025-05-27. Review status: criteria provided, single submitter. Criteria: Ambry Variant Classification Scheme 2023. Collection method: clinical testing. Allele origin: germline.
Comment: The p.H661P variant (also known as c.1982A>C), located in coding exon 1 of the TET2 gene, results from an A to C substitution at nucleotide position 1982. The histidine at codon 661 is replaced by proline, an amino acid with similar properties. This amino acid position is conserved. In addition, this alteration is predicted to be tolerated by in silico analysis. Based on the available evidence, the clinical significance of this variant remains unclear.